The following is an entry in ClinVar:

NM_000254.3(MTR):c.810_811insTTTTTTTTTTTTTTTTTTTTNNNNNNNNNNTGACCTCGTGATCCGCCCGCCACGGCCTCCCAAAGTGCTGGGATTACAGGCGTGAGCCACCGCGCCCGGCCGAAATGAGACCTTTT (p.Ile271delinsPhePhePhePhePhePheXaaXaaXaaXaaTer)

Gene: MTR (5-methyltetrahydrofolate-homocysteine methyltransferase; plus strand). Cytogenetic location: 1q43.
Variant type: Insertion.
Coding change: c.810_811insTTTTTTTTTTTTTTTTTTTTNNNNNNNNNNTGACCTCGTGATCCGCCCGCCACGGCCTCCCAAAGTGCTGGGATTACAGGCGTGAGCCACCGCGCCCGGCCGAAATGAGACCTTTT on transcript NM_000254.3 (MANE Select); coding-DNA positions 810 to 811, TTTTTTTTTTTTTTTTTTTTNNNNNNNNNNTGACCTCGTGATCCGCCCGCCACGGCCTCCCAAAGTGCTGGGATTACAGGCGTGAGCCACCGCGCCCGGCCGAAATGAGACCTTTT inserted.
Protein change: p.Ile271delinsPhePhePhePhePhePheXaaXaaXaaXaaTer.
Molecular consequence: nonsense. On other transcripts: 5 prime UTR variant (1).
Genome position: GRCh38: chr1:236,824,164-236,824,165. GRCh37 (hg19): chr1:236,987,464-236,987,465.
Other names: c.810_811insTTTTTTTTTTTTTTTTTTTTNNNNNNNNNNTGACCTCGTGATCCGCCCGCCACGGCCTCCCAAAGTGCTGGGATTACAGGCGTGAGCCACCGCGCCCGGCCGAAATGAGACCTTTT, p.Ile271delinsPhePhePhePhePhePheXaaXaaXaaXaaTer (NM_001291939.1, NM_001410942.1); c.-299_-298insTTTTTTTTTTTTTTTTTTTTNNNNNNNNNNTGACCTCGTGATCCGCCCGCCACGGCCTCCCAAAGTGCTGGGATTACAGGCGTGAGCCACCGCGCCCGGCCGAAATGAGACCTTTT (NM_001291940.2).
Identifiers: ClinVar variation 2773098 (VCV002773098.3), dbSNP rs2527974254.

ClinVar aggregate classification (germline): Pathogenic (1 of 4 stars; one submission).

Conditions:
Methylcobalamin deficiency type cblG (HMAG). Also called: HOMOCYSTINURIA-MEGALOBLASTIC ANEMIA, cblG COMPLEMENTATION TYPE; HOMOCYSTINURIA-MEGALOBLASTIC ANEMIA, cblG TYPE; HOMOCYSTINURIA-MEGALOBLASTIC ANEMIA DUE TO DEFECT IN COBALAMIN METABOLISM, cblG COMPLEMENTATION TYPE; Functional methionine synthase deficiency type cblG. Identifiers: Orphanet 2170, Orphanet 622, MedGen C1855128, MONDO:0009609, OMIM 250940.

Submission:

Labcorp Genetics (formerly Invitae), Labcorp
Classification: Pathogenic for Methylcobalamin deficiency type cblG. Last evaluated: 2023-10-31. Review status: criteria provided, single submitter. Criteria: Invitae Variant Classification Sherloc (09022015). Collection method: clinical testing. Allele origin: germline.
Comment: This sequence change creates a premature translational stop signal (p.Ile271fs) in the MTR gene. It is expected to result in an absent or disrupted protein product. Loss-of-function variants in MTR are known to be pathogenic (PMID: 9683607, 12068375). This variant is not present in population databases (gnomAD no frequency). This variant has not been reported in the literature in individuals affected with MTR-related conditions. For these reasons, this variant has been classified as Pathogenic.

Literature cited by the submitters: PubMed 9683607; PubMed 12068375.